The following is an entry in ClinVar:

ClinVar aggregate classification (germline): Uncertain significance (1 of 4 stars; one submission).

Conditions:
Cardiovascular phenotype. Identifiers: MedGen CN230736.

Allele frequency attached by ClinVar (database versions not stated): gnomAD exomes below 0.00001.
gnomAD v4.1: 1 of 1,613,294 alleles (0.000062%); highest among the groups gnomAD compares: Non-Finnish European, 0.000085%; no homozygotes.

Submission:

Ambry Genetics
Classification: Uncertain significance for Cardiovascular phenotype. Last evaluated: 2020-01-15. Review status: criteria provided, single submitter. Criteria: Ambry Variant Classification Scheme 2023. Collection method: clinical testing. Allele origin: germline.
Comment: The p.P11889Q variant (also known as c.35666C>A), located in coding exon 131 of the TTN gene, results from a C to A substitution at nucleotide position 35666. The proline at codon 11889 is replaced by glutamine, an amino acid with similar properties. This amino acid position is highly conserved in available vertebrate species. In addition, this alteration is predicted to be tolerated by in silico analysis. Since supporting evidence is limited at this time, the clinical significance of this alteration remains unclear.

NM_001267550.2(TTN):c.62861C>A (p.Pro20954Gln)

Genes: TTN (titin; minus strand), TTN-AS1 (TTN antisense RNA 1; plus strand). Cytogenetic location: 2q31.2.
Variant type: single nucleotide variant.
Coding change: c.62861C>A on transcript NM_001267550.2 (MANE Select); coding-DNA position 62861, C replaced by A.
Protein change: p.Pro20954Gln; replaces proline 20954 with glutamine.
Molecular consequence: missense variant.
Genome position (GRCh38, 1-based): chr2:178,588,864, G>T on the plus strand (C>A on the coding strand, the complement: TTN is on the minus strand). VCF-style: chr2-178588864-G-T. GRCh37 (hg19) VCF-style: chr2-179453591-G-T.
Other names: c.57938C>A, p.Pro19313Gln (NM_001256850.1); c.35666C>A, p.Pro11889Gln (NM_003319.4); c.55157C>A, p.Pro18386Gln (NM_133378.4); c.36041C>A, p.Pro12014Gln (NM_133432.3); c.36242C>A, p.Pro12081Gln (NM_133437.4); short protein forms P11889Q, P12081Q, P12014Q, P18386Q, P19313Q, P20954Q.
Identifiers: ClinVar variation 1732740 (VCV001732740.2), dbSNP rs2469368510, ClinGen allele CA349459643.
Genomic context (GRCh38, chr2:178,588,864, plus strand): 5'-TTAGTGACTTCTGGGGGATCAGGGCGACCAGGTTTATCATACTTGGTTTTGGCTATGACT[G>T]GTTTACTTTCTGTTGGAGGCCCTGTGCCTATTTTATTTTCTGCACGGACTCTGAAAATAT-3'
Protein context (NP_001254479.2, residues 20944-20964): IGTGPPTESK[Pro20954Gln]VIAKTKYDKP